The following is an entry in ClinVar:

ClinVar aggregate classification (germline): Uncertain significance (1 of 4 stars; one submission).

Submission:

Labcorp Genetics (formerly Invitae), Labcorp
Classification: Uncertain significance. Last evaluated: 2024-08-19. Review status: criteria provided, single submitter. Criteria: Invitae Variant Classification Sherloc (09022015). Collection method: clinical testing. Allele origin: germline.
Comment: This sequence change affects codon 828 of the EPHB4 mRNA. It is a 'silent' change, meaning that it does not change the encoded amino acid sequence of the EPHB4 protein. It affects a nucleotide within the consensus splice site. This variant is present in population databases (rs369079556, gnomAD 0.03%). This variant has not been reported in the literature in individuals affected with EPHB4-related conditions. Algorithms developed to predict the effect of sequence changes on RNA splicing suggest that this variant is not likely to affect RNA splicing. In summary, the available evidence is currently insufficient to determine the role of this variant in disease. Therefore, it has been classified as a Variant of Uncertain Significance.

NM_004444.5(EPHB4):c.2484C>T (p.Asp828=)

Genes: EPHB4 (EPH receptor B4; minus strand), LOC126860124 (CDK7 strongly-dependent group 2 enhancer GRCh37_chr7:100403701-100404900; plus strand). Cytogenetic location: 7q22.1.
Variant type: single nucleotide variant.
Coding change: c.2484C>T on transcript NM_004444.5 (MANE Select); coding-DNA position 2484, C replaced by T.
Protein change: p.Asp828=; no amino-acid change (aspartic acid 828 retained).
Molecular consequence: synonymous variant.
Genome position (GRCh38, 1-based): chr7:100,806,420, G>A on the plus strand (C>T on the coding strand, the complement: EPHB4 is on the minus strand). VCF-style: chr7-100806420-G-A. GRCh37 (hg19) VCF-style: chr7-100404042-G-A.
Identifiers: ClinVar variation 3714926 (VCV003714926.2).
Genomic context (GRCh38, chr7:100,806,420, plus strand): 5'-CCCCAAATCCCAGGTGAGAGAACACTCGAGGAAAGCTTGGTAGGACCACGGGACACTTAC[G>A]TCCTGATTGCTCATGTCCCAGTACGGCCTCTCCCCAAATGACATCACCTCCCACATCACA-3'
Protein context (NP_004435.3, residues 818-838): ERPYWDMSNQ[Asp828=]VINAIEQDYR